The following is an entry in ClinVar:

ClinVar aggregate classification (germline): Uncertain significance (1 of 4 stars; one submission).

Conditions:
Myofibrillar myopathy 6. Identifiers: Orphanet 199340, MedGen C2751831, MONDO:0013061, OMIM 612954.
Dilated cardiomyopathy 1HH (CMD1HH). Identifiers: Orphanet 154, MedGen C3151293, MONDO:0013479, OMIM 613881.

Submission:

Labcorp Genetics (formerly Invitae), Labcorp
Classification: Uncertain significance for Dilated cardiomyopathy 1HH; Myofibrillar myopathy 6. Last evaluated: 2022-08-12. Review status: criteria provided, single submitter. Criteria: Invitae Variant Classification Sherloc (09022015). Collection method: clinical testing. Allele origin: germline.
Comment: This sequence change replaces tyrosine, which is neutral and polar, with aspartic acid, which is acidic and polar, at codon 93 of the BAG3 protein (p.Tyr93Asp). In summary, the available evidence is currently insufficient to determine the role of this variant in disease. Therefore, it has been classified as a Variant of Uncertain Significance. Algorithms developed to predict the effect of missense changes on protein structure and function (SIFT, PolyPhen-2, Align-GVGD) all suggest that this variant is likely to be disruptive. This variant has not been reported in the literature in individuals affected with BAG3-related conditions. This variant is not present in population databases (gnomAD no frequency).

NM_004281.4(BAG3):c.277T>G (p.Tyr93Asp)

Gene: BAG3 (BAG cochaperone 3; plus strand). Cytogenetic location: 10q26.11.
Variant type: single nucleotide variant.
Coding change: c.277T>G on transcript NM_004281.4 (MANE Select); coding-DNA position 277, T replaced by G.
Protein change: p.Tyr93Asp; replaces tyrosine 93 with aspartic acid.
Molecular consequence: missense variant.
Genome position (GRCh38, 1-based): chr10:119,669,947, T>G. VCF-style: chr10-119669947-T-G. GRCh37 (hg19) VCF-style: chr10-121429459-T-G.
Other names: short protein forms Y93D.
Identifiers: ClinVar variation 1716156 (VCV001716156.5), dbSNP rs960439911, ClinGen allele CA378294773.
Genomic context (GRCh38, chr10:119,669,947, plus strand): 5'-GGCTCTAGGCTGCCGCCTGCTAGGGAAGGCCACCCTGTGTACCCCCAGCTCCGACCAGGC[T>G]ACATTCCCATTCCTGTGCTCCATGAAGGCGCTGAGAACCGGCAGGTGCACCCTTTCCATG-3'
Protein context (NP_004272.2, residues 83-103): HPVYPQLRPG[Tyr93Asp]IPIPVLHEGA